The following is an entry in ClinVar:

ClinVar aggregate classification (germline): Conflicting classifications of pathogenicity. Review status: criteria provided, conflicting classifications (1 of 4 stars). 6 submissions from 6 submitters: Uncertain significance (1); Benign (1); Likely benign (3). 1 of the submissions does not count toward it. Last evaluated 2025-12-29.

Conditions:
Townes syndrome (TBS). Also called: Townes-Brocks syndrome. Identifiers: Orphanet 857, MedGen C0265246, MeSH C536974, MONDO:0007142.
SALL1-related disorder. Also called: SALL1-related condition.
Inborn genetic diseases. Identifiers: MedGen C0950123, MeSH D030342.

Allele frequency attached by ClinVar (database versions not stated): gnomAD 0.00033 and 0.00034; ExAC 0.00035; gnomAD exomes 0.00035 and 0.00055; TOPMed 0.00039; 1000 Genomes Project 0.00040; ESP Exome Variant Server 0.00046; 1000 Genomes Project 30x 0.00047.
gnomAD v4.1: 857 of 1,614,240 alleles (0.053%); highest among the groups gnomAD compares: Non-Finnish European, 0.065%; no homozygotes.

Submissions (8):

Ambry Genetics
Classification: Uncertain significance for Inborn genetic diseases. Last evaluated: 2025-12-29. Review status: criteria provided, single submitter. Criteria: Ambry Variant Classification Scheme 2023. Collection method: clinical testing. Allele origin: germline.
Comment: The c.1322C>A (p.T441N) alteration is located in exon 2 (coding exon 2) of the SALL1 gene. This alteration results from a C to A substitution at nucleotide position 1322, causing the threonine (T) at amino acid position 441 to be replaced by an asparagine (N). Based on data from gnomAD, the A allele has an overall frequency of 0.032% (91/282900) total alleles studied. The highest observed frequency was 0.055% (4/7228) of Other alleles. Based on insufficient or conflicting evidence, the clinical significance of this alteration remains unclear.

Labcorp Genetics (formerly Invitae), Labcorp
Classification: Likely benign for Townes syndrome. Last evaluated: 2025-12-29. Review status: criteria provided, single submitter. Criteria: Invitae Variant Classification Sherloc (09022015). Collection method: clinical testing. Allele origin: germline.

Blueprint Genetics
Classification: Likely benign. Last evaluated: 2024-10-24. Review status: criteria provided, single submitter. Criteria: ACMG Guidelines, 2015. Collection method: clinical testing. Allele origin: germline.

GeneDx
Classification: Benign. Last evaluated: 2021-01-04. Review status: criteria provided, single submitter. Criteria: GeneDx Variant Classification Process June 2021. Collection method: clinical testing. Allele origin: germline. Affected: yes.
Comment: This variant is associated with the following publications: (PMID: 19429598)

Eurofins Ntd Llc (ga)
Classification: Likely benign. Last evaluated: 2015-11-18. Review status: criteria provided, single submitter. Criteria: EGL Classification Definitions 2015. Collection method: clinical testing. Allele origin: germline. Observed: 1 variant allele, 1 heterozygote.

PreventionGenetics, part of Exact Sciences
Classification: Likely benign for SALL1-related condition. Last evaluated: 2023-02-25. Review status: no assertion criteria provided. Collection method: clinical testing. Allele origin: germline. Not counted in ClinVar's aggregate classification.
Comment: This variant is classified as likely benign based on ACMG/AMP sequence variant interpretation guidelines (Richards et al. 2015 PMID: 25741868, with internal and published modifications).

Dr. Peter K. Rogan Lab, Western University
No classification provided (evidence only). Condition: Sarcoma. Review status: no classification provided. Collection method: in vitro. Allele origin: not applicable. Functional consequence: retained intron. Not counted in ClinVar's aggregate classification.

Dr. Peter K. Rogan Lab, Western University
No classification provided (evidence only). Condition: Malignant tumor of esophagus. Review status: no classification provided. Collection method: in vitro. Allele origin: not applicable. Functional consequence: retained intron. Not counted in ClinVar's aggregate classification.

NM_002968.3(SALL1):c.1322C>A (p.Thr441Asn)

Gene: SALL1 (spalt like transcription factor 1; minus strand). Cytogenetic location: 16q12.1.
Variant type: single nucleotide variant.
Coding change: c.1322C>A on transcript NM_002968.3 (MANE Select); coding-DNA position 1322, C replaced by A.
Protein change: p.Thr441Asn; replaces threonine 441 with asparagine.
Molecular consequence: missense variant.
Genome position (GRCh38, 1-based): chr16:51,140,900, G>T on the plus strand (C>A on the coding strand, the complement: SALL1 is on the minus strand). VCF-style: chr16-51140900-G-T. GRCh37 (hg19) VCF-style: chr16-51174811-G-T.
Other names: c.1031C>A, p.Thr344Asn (NM_001127892.2); short protein forms T441N, T344N.
Identifiers: ClinVar variation 284625 (VCV000284625.20), dbSNP rs76275412, ClinGen allele CA8053294.